The following is an entry in ClinVar:

ClinVar aggregate classification (germline): Uncertain significance (1 of 4 stars; one submission).

gnomAD v4.1: 6 of 1,614,190 alleles (0.00037%); highest among the groups gnomAD compares: Non-Finnish European, 0.00051%; no homozygotes.

Submission:

Labcorp Genetics (formerly Invitae), Labcorp
Classification: Uncertain significance. Last evaluated: 2024-11-04. Review status: criteria provided, single submitter. Criteria: Invitae Variant Classification Sherloc (09022015). Collection method: clinical testing. Allele origin: germline.
Comment: This sequence change replaces threonine, which is neutral and polar, with serine, which is neutral and polar, at codon 304 of the NFE2L2 protein (p.Thr304Ser). This variant is present in population databases (rs372043645, gnomAD 0.002%). This variant has not been reported in the literature in individuals affected with NFE2L2-related conditions. Invitae Evidence Modeling of protein sequence and biophysical properties (such as structural, functional, and spatial information, amino acid conservation, physicochemical variation, residue mobility, and thermodynamic stability) indicates that this missense variant is not expected to disrupt NFE2L2 protein function with a negative predictive value of 80%. In summary, the available evidence is currently insufficient to determine the role of this variant in disease. Therefore, it has been classified as a Variant of Uncertain Significance.

NM_006164.5(NFE2L2):c.910A>T (p.Thr304Ser)

Gene: NFE2L2 (NFE2 like bZIP transcription factor 2; minus strand). Cytogenetic location: 2q31.2.
Variant type: single nucleotide variant.
Coding change: c.910A>T on transcript NM_006164.5 (MANE Select); coding-DNA position 910, A replaced by T.
Protein change: p.Thr304Ser; replaces threonine 304 with serine.
Molecular consequence: missense variant.
Genome position (GRCh38, 1-based): chr2:177,231,693, T>A on the plus strand (A>T on the coding strand, the complement: NFE2L2 is on the minus strand). VCF-style: chr2-177231693-T-A. GRCh37 (hg19) VCF-style: chr2-178096421-T-A.
Other names: c.862A>T, p.Thr288Ser (NM_001145412.3, NM_001313900.1, NM_001313901.1); c.841A>T, p.Thr281Ser (NM_001145413.3); c.820A>T, p.Thr274Ser (NM_001313902.2); c.691A>T, p.Thr231Ser (NM_001313903.2); c.610A>T, p.Thr204Ser (NM_001313904.1); short protein forms T204S, T281S, T274S, T288S, T231S, T304S.
Identifiers: ClinVar variation 3695943 (VCV003695943.2).